The following is an entry in ClinVar:

ClinVar aggregate classification (germline): Uncertain significance (1 of 4 stars; one submission).

Conditions:
Bloom syndrome (BLM). Also called: Bloom-Torre-Machacek syndrome. Identifiers: Orphanet 125, MedGen C0005859, MONDO:0008876, OMIM 210900.

Submission:

Labcorp Genetics (formerly Invitae), Labcorp
Classification: Uncertain significance for Bloom syndrome. Last evaluated: 2022-05-01. Review status: criteria provided, single submitter. Criteria: Invitae Variant Classification Sherloc (09022015). Collection method: clinical testing. Allele origin: germline.
Comment: This variant is not present in population databases (gnomAD no frequency). This sequence change replaces glutamic acid, which is acidic and polar, with lysine, which is basic and polar, at codon 516 of the BLM protein (p.Glu516Lys). This variant has not been reported in the literature in individuals affected with BLM-related conditions. In summary, the available evidence is currently insufficient to determine the role of this variant in disease. Therefore, it has been classified as a Variant of Uncertain Significance. Algorithms developed to predict the effect of missense changes on protein structure and function output the following: SIFT: "Tolerated"; PolyPhen-2: "Benign"; Align-GVGD: "Class C0". The lysine amino acid residue is found in multiple mammalian species, which suggests that this missense change does not adversely affect protein function.

NM_000057.4(BLM):c.1546G>A (p.Glu516Lys)

Gene: BLM (BLM RecQ like helicase; plus strand). Cytogenetic location: 15q26.1.
Variant type: single nucleotide variant.
Coding change: c.1546G>A on transcript NM_000057.4 (MANE Select); coding-DNA position 1546, G replaced by A.
Protein change: p.Glu516Lys; replaces glutamic acid 516 with lysine.
Molecular consequence: missense variant.
Genome position (GRCh38, 1-based): chr15:90,760,919, G>A. VCF-style: chr15-90760919-G-A. GRCh37 (hg19) VCF-style: chr15-91304149-G-A.
Other names: c.1546G>A, p.Glu516Lys (NM_001287246.2, NM_001287247.2); c.421G>A, p.Glu141Lys (NM_001287248.2); short protein forms E516K, E141K.
Identifiers: ClinVar variation 2132476 (VCV002132476.4), dbSNP rs1596230118, ClinGen allele CA393843293.
Genomic context (GRCh38, chr15:90,760,919, plus strand): 5'-TTACAGAAGTCCTTTGTAAGTAGCAACTGGGCTGAAACACCAAGACTAGGAAAAAAAAAT[G>A]AAAGCTCTTATTTCCCAGGAAATGTTCTCACAAGCACTGCTGTGAAAGATCAGAATAAAC-3'
Protein context (NP_000048.1, residues 506-526): AETPRLGKKN[Glu516Lys]SSYFPGNVLT